The following is an entry in ClinVar:

ClinVar aggregate classification (germline): Benign/Likely benign. Review status: criteria provided, multiple submitters, no conflicts (2 of 4 stars). 3 submissions from 3 submitters: Benign (2); Likely benign (1). Last evaluated 2024-01-01.

Allele frequency attached by ClinVar (database versions not stated): 1000 Genomes Project 30x 0.00141; ESP Exome Variant Server 0.00231; 1000 Genomes Project 0.00120; TOPMed 0.00214.
gnomAD v4.1: 1,728 of 1,613,696 alleles (0.11%); highest among the groups gnomAD compares: African/African-American, 0.54%; 26 homozygotes.

Submissions (3):

CeGaT Center for Human Genetics Tuebingen
Classification: Likely benign. Last evaluated: 2024-01-01. Review status: criteria provided, single submitter. Criteria: CeGaT Center For Human Genetics Tuebingen Variant Classification Criteria Version 2. Collection method: clinical testing. Allele origin: germline. Affected: yes. Observed: 1 variant allele.
Comment: BMP8B: BP4, BP7

Labcorp Genetics (formerly Invitae), Labcorp
Classification: Benign. Last evaluated: 2018-12-11. Review status: criteria provided, single submitter. Criteria: Invitae Variant Classification Sherloc (09022015). Collection method: clinical testing. Allele origin: germline.

Breakthrough Genomics
Classification: Benign. Review status: criteria provided, single submitter. Criteria: ACMG Guidelines, 2015. Collection method: not provided. Allele origin: germline. Inheritance: Unknown mechanism. Affected: yes.

NM_001720.5(BMP8B):c.978G>A (p.Ser326=)

Genes: BMP8B (bone morphogenetic protein 8b; minus strand), PPIE (peptidylprolyl isomerase E; plus strand). Cytogenetic location: 1p34.2.
Variant type: single nucleotide variant.
Coding change: c.978G>A on transcript NM_001720.5 (MANE Select); coding-DNA position 978, G replaced by A.
Protein change: p.Ser326=; no amino-acid change (serine 326 retained).
Molecular consequence: synonymous variant. On other transcripts: intron variant (3).
Genome position (GRCh38, 1-based): chr1:39,763,173, C>T on the plus strand (G>A on the coding strand, the complement: BMP8B is on the minus strand). VCF-style: chr1-39763173-C-T. GRCh37 (hg19) VCF-style: chr1-40228845-C-T.
Other names: c.*28-516C>T (NM_001195007.2); c.838-516C>T (NM_203456.3); c.799-516C>T (NM_001319293.2).
Identifiers: ClinVar variation 721373 (VCV000721373.26), dbSNP rs138246844, ClinGen allele CA787270.